The following is an entry in ClinVar:

NM_000094.4(COL7A1):c.6573G>A (p.Pro2191=)

Gene: COL7A1 (collagen type VII alpha 1 chain; minus strand). Cytogenetic location: 3p21.31.
Variant type: single nucleotide variant.
Coding change: c.6573G>A on transcript NM_000094.4 (MANE Select); coding-DNA position 6573, G replaced by A.
Protein change: p.Pro2191=; no amino-acid change (proline 2191 retained).
Molecular consequence: synonymous variant.
Genome position (GRCh38, 1-based): chr3:48,573,690, C>T on the plus strand (G>A on the coding strand, the complement: COL7A1 is on the minus strand). VCF-style: chr3-48573690-C-T. GRCh37 (hg19) VCF-style: chr3-48611123-C-T.
Identifiers: ClinVar variation 2154074 (VCV002154074.3), dbSNP rs779416907, ClinGen allele CA2378945.

ClinVar aggregate classification (germline): Uncertain significance. Review status: criteria provided, multiple submitters, no conflicts (2 of 4 stars). 2 submissions from 2 submitters: Uncertain significance (2). Last evaluated 2023-08-01.

Allele frequency attached by ClinVar (database versions not stated): ExAC 0.00002.
gnomAD v4.1: 16 of 1,612,824 alleles (0.00099%); highest among the groups gnomAD compares: South Asian, 0.0022%; no homozygotes.

Submissions (3):

Institute for Clinical Genetics, University Hospital TU Dresden, University Hospital TU Dresden
Classification: Uncertain significance. Last evaluated: 2023-08-01. Review status: criteria provided, single submitter. Criteria: ACMG Guidelines, 2015. Collection method: clinical testing. Allele origin: germline.
Comment: PP3, PM2_SUP, PM3

Labcorp Genetics (formerly Invitae), Labcorp
Classification: Uncertain significance. Last evaluated: 2022-09-29. Review status: criteria provided, single submitter. Criteria: Invitae Variant Classification Sherloc (09022015). Collection method: clinical testing. Allele origin: germline.
Comment: This sequence change affects codon 2191 of the COL7A1 mRNA. It is a 'silent' change, meaning that it does not change the encoded amino acid sequence of the COL7A1 protein. This variant also falls at the last nucleotide of exon 81, which is part of the consensus splice site for this exon. The frequency data for this variant in the population databases is considered unreliable, as metrics indicate poor data quality at this position in the gnomAD database. This variant has not been reported in the literature in individuals affected with COL7A1-related conditions. Variants that disrupt the consensus splice site are a relatively common cause of aberrant splicing (PMID: 17576681, 9536098). Algorithms developed to predict the effect of sequence changes on RNA splicing suggest that this variant may create or strengthen a splice site. In summary, the available evidence is currently insufficient to determine the role of this variant in disease. Therefore, it has been classified as a Variant of Uncertain Significance.

Dr. Peter K. Rogan Lab, Western University
No classification provided (evidence only). Condition: Malignant tumor of urinary bladder. Review status: no classification provided. Collection method: in vitro. Allele origin: not applicable. Functional consequence: retained intron. Not counted in ClinVar's aggregate classification.

Literature cited by the submitters: PubMed 17576681 (cited by Labcorp Genetics (formerly Invitae), Labcorp); PubMed 9536098 (cited by Labcorp Genetics (formerly Invitae), Labcorp).